The following is an entry in ClinVar:

ClinVar aggregate classification (germline): Uncertain significance. Review status: criteria provided, multiple submitters, no conflicts (2 of 4 stars). 3 submissions from 3 submitters: Uncertain significance (3). Last evaluated 2025-09-08.

Conditions:
Familial thoracic aortic aneurysm and aortic dissection (TAAD). Also called: Thoracic aortic aneurysms and dissections. Identifiers: Orphanet 91387, MedGen C4707243, MONDO:0019625.
Marfan syndrome (MFS). Also called: Marfan syndrome type 1; Marfan syndrome, classic; Marfan's syndrome; FBN1-Related Marfan Syndrome; MARFAN SYNDROME, TYPE I. Identifiers: Orphanet 284963, Orphanet 558, MedGen C0024796, MONDO:0007947, OMIM 154700.

Allele frequency attached by ClinVar (database versions not stated): gnomAD 0.00001; gnomAD exomes 0.00001; TOPMed 0.00001.
gnomAD v4.1: 8 of 1,613,814 alleles (0.0005%); highest among the groups gnomAD compares: Non-Finnish European, 0.00051%; no homozygotes.

Submissions (3):

Labcorp Genetics (formerly Invitae), Labcorp
Classification: Uncertain significance for Marfan syndrome; Familial thoracic aortic aneurysm and aortic dissection. Last evaluated: 2025-09-08. Review status: criteria provided, single submitter. Criteria: Invitae Variant Classification Sherloc (09022015). Collection method: clinical testing. Allele origin: germline.
Comment: This sequence change replaces serine, which is neutral and polar, with leucine, which is neutral and non-polar, at codon 1188 of the FBN1 protein (p.Ser1188Leu). This variant is not present in population databases (gnomAD no frequency). This missense change has been observed in individual(s) with clinical features of FBN1-related conditions (internal data). ClinVar contains an entry for this variant (Variation ID: 527143). Invitae Evidence Modeling of protein sequence and biophysical properties (such as structural, functional, and spatial information, amino acid conservation, physicochemical variation, residue mobility, and thermodynamic stability) indicates that this missense variant is not expected to disrupt FBN1 protein function with a negative predictive value of 95%. In summary, the available evidence is currently insufficient to determine the role of this variant in disease. Therefore, it has been classified as a Variant of Uncertain Significance.

Color Diagnostics, LLC DBA Color Health
Classification: Uncertain significance for Familial thoracic aortic aneurysm and aortic dissection. Last evaluated: 2025-07-29. Review status: criteria provided, single submitter. Criteria: ACMG Guidelines, 2015. Collection method: clinical testing. Allele origin: germline.
Comment: This missense variant replaces serine with leucine at codon 1188 of the FBN1 protein. Computational prediction suggests that this variant may not impact protein structure and function. To our knowledge, functional studies have not been reported for this variant. This variant has not been reported in individuals affected with FBN1-related disorders in the literature. This variant has not been identified in the general population by the Genome Aggregation Database (gnomAD). The available evidence is insufficient to determine the role of this variant in disease conclusively. Therefore, this variant is classified as a Variant of Uncertain Significance.

All of Us Research Program, National Institutes of Health
Classification: Uncertain significance for Marfan syndrome. Last evaluated: 2024-04-10. Review status: criteria provided, single submitter. Criteria: ACMG Guidelines, 2015. Collection method: clinical testing. Allele origin: germline. Inheritance: Autosomal dominant inheritance. Observed: 4 variant alleles, 4 heterozygotes.
Comment: This missense variant replaces serine with leucine at codon 1188 of the FBN1 protein. Computational prediction suggests that this variant may not impact protein structure and function (internally defined REVEL score threshold <= 0.5, PMID: 27666373). To our knowledge, functional studies have not been reported for this variant. This variant has not been reported in individuals affected with cardiovascular disorders in the literature. This variant has not been identified in the general population by the Genome Aggregation Database (gnomAD). The available evidence is insufficient to determine the role of this variant in disease conclusively. Therefore, this variant is classified as a Variant of Uncertain Significance.

This study involves interpretation of variants in research participants for the purpose of population health screening. Participant phenotype was not available at the time of variant classification. Additional details can be found in publication PMID: 35346344, PMCID: PMC8962531

NM_000138.5(FBN1):c.3563C>T (p.Ser1188Leu)

Gene: FBN1 (fibrillin 1; minus strand). Cytogenetic location: 15q21.1.
Variant type: single nucleotide variant.
Coding change: c.3563C>T on transcript NM_000138.5 (MANE Select); coding-DNA position 3563, C replaced by T.
Protein change: p.Ser1188Leu; replaces serine 1188 with leucine.
Molecular consequence: missense variant.
Genome position (GRCh38, 1-based): chr15:48,487,101, G>A on the plus strand (C>T on the coding strand, the complement: FBN1 is on the minus strand). VCF-style: chr15-48487101-G-A. GRCh37 (hg19) VCF-style: chr15-48779298-G-A.
Other names: short protein forms S1188L.
Identifiers: ClinVar variation 527143 (VCV000527143.12), dbSNP rs1057520181, ClinGen allele CA392324950.